The following is an entry in ClinVar:

ClinVar aggregate classification (germline): Pathogenic (1 of 4 stars; one submission).

Conditions:
Mucopolysaccharidosis, MPS-II (MPS2). Also called: Hunter Syndrome; IDURONATE 2-SULFATASE DEFICIENCY; Mucopolysaccharidosis Type II; Mucopolysaccharidosis type 2; Attenuated MPS (subtype; formerly known as mild MPS II); Severe MPS II. Identifiers: Orphanet 580, Orphanet 79388, MedGen C0026705, MONDO:0010674, OMIM 309900.

Submission:

Laboratory of Diagnosis and Therapy of Lysosomal Disorders, University of Padova
Classification: Pathogenic for Mucopolysaccharidosis, MPS-II. Last evaluated: 2024-06-07. Review status: criteria provided, single submitter. Criteria: ACMG Guidelines, 2015. Collection method: literature only. Allele origin: germline. Affected: yes. Observed: 2 variant alleles.
Comment: Null variant (PVS1_VeryStrong), Absent from controls (or at low frequency) in gnomAD database (PM2_Moderate), Patient’s phenotype or family history highly specific for the disease (PP4_Strong)

Classification method: ACMG Guidelines [PMID:25741868] with modifications

Literature cited by the submitters: PubMed 36945845.

NM_000202.8(IDS):c.904del (p.Ala302fs)

Genes: IDS (iduronate 2-sulfatase; minus strand), LOC106050102 (IDS recombination region; plus strand). Cytogenetic location: Xq28.
Variant type: Deletion.
Coding change: c.904del on transcript NM_000202.8 (MANE Select); coding-DNA position 904, one base deleted (G; older notation c.904delG).
Protein change: p.Ala302fs; shifts the reading frame from alanine 302.
Molecular consequence: frameshift variant. On other transcripts: non-coding transcript variant (1).
Genome position (GRCh38, 1-based): chrX:149,490,416, C deleted on the plus strand (G on the coding strand, the reverse complement: IDS is on the minus strand). VCF-style (leftmost placement, unchanged base first): chrX-149490415-GC-G. GRCh37 (hg19) VCF-style: chrX-148571946-GC-G.
Other names: c.634del, p.Ala212fs (NM_001166550.4); c.904del, p.Ala302fs (NM_006123.5); short protein forms A212fs, A302fs.
Identifiers: ClinVar variation 3255877 (VCV003255877.2).